The following is an entry in ClinVar:

ClinVar aggregate classification (germline): Uncertain significance (1 of 4 stars; one submission).

Conditions:
Neurofibromatosis, type 1 (NF1). Also called: VON RECKLINGHAUSEN DISEASE; NEUROFIBROMATOSIS, TYPE I, SOMATIC; Neurofibromatosis, type I; Peripheral type neurofibromatosis. Identifiers: Orphanet 636, MedGen C0027831, MONDO:0018975, OMIM 162200. Disease mechanism: loss of function.

Allele frequency attached by ClinVar (database versions not stated): gnomAD exomes below 0.00001.
gnomAD v4.1: 4 of 1,613,792 alleles (0.00025%); highest among the groups gnomAD compares: East Asian, 0.0022%; no homozygotes.

Submission:

Labcorp Genetics (formerly Invitae), Labcorp
Classification: Uncertain significance for Neurofibromatosis, type 1. Last evaluated: 2023-08-04. Review status: criteria provided, single submitter. Criteria: Invitae Variant Classification Sherloc (09022015). Collection method: clinical testing. Allele origin: germline.
Comment: This variant has not been reported in the literature in individuals affected with NF1-related conditions. ClinVar contains an entry for this variant (Variation ID: 2030169). Advanced modeling of protein sequence and biophysical properties (such as structural, functional, and spatial information, amino acid conservation, physicochemical variation, residue mobility, and thermodynamic stability) performed at Invitae indicates that this missense variant is expected to disrupt NF1 protein function. In summary, the available evidence is currently insufficient to determine the role of this variant in disease. Therefore, it has been classified as a Variant of Uncertain Significance. This sequence change replaces tyrosine, which is neutral and polar, with cysteine, which is neutral and slightly polar, at codon 2081 of the NF1 protein (p.Tyr2081Cys). This variant is present in population databases (no rsID available, gnomAD 0.006%).

NM_001042492.3(NF1):c.6305A>G (p.Tyr2102Cys)

Gene: NF1 (neurofibromin 1; plus strand). Cytogenetic location: 17q11.2.
Variant type: single nucleotide variant.
Coding change: c.6305A>G on transcript NM_001042492.3 (MANE Select); coding-DNA position 6305, A replaced by G.
Protein change: p.Tyr2102Cys; replaces tyrosine 2102 with cysteine.
Molecular consequence: missense variant.
Genome position (GRCh38, 1-based): chr17:31,336,792, A>G. VCF-style: chr17-31336792-A-G. GRCh37 (hg19) VCF-style: chr17-29663810-A-G.
Other names: c.6242A>G, p.Tyr2081Cys (NM_000267.4); short protein forms Y2081C, Y2102C.
Identifiers: ClinVar variation 2030169 (VCV002030169.4), dbSNP rs1162388561, ClinGen allele CA399012250.